The following is an entry in ClinVar:

NM_000038.6(APC):c.4866C>G (p.Asn1622Lys)

Gene: APC (APC regulator of Wnt signaling pathway; plus strand). Cytogenetic location: 5q22.2.
Variant type: single nucleotide variant.
Coding change: c.4866C>G on transcript NM_000038.6 (MANE Select); coding-DNA position 4866, C replaced by G.
Protein change: p.Asn1622Lys; replaces asparagine 1622 with lysine.
Molecular consequence: missense variant.
Genome position (GRCh38, 1-based): chr5:112,840,460, C>G. VCF-style: chr5-112840460-C-G. GRCh37 (hg19) VCF-style: chr5-112176157-C-G.
Other names: c.4866C>G, p.Asn1622Lys (NM_001127510.3, NM_001354895.2, NM_001407450.1); c.4812C>G, p.Asn1604Lys (NM_001127511.3); c.4920C>G, p.Asn1640Lys (NM_001354896.2, NM_001407447.1, NM_001407448.1 and 1 more transcripts); c.4896C>G, p.Asn1632Lys (NM_001354897.2); c.4791C>G, p.Asn1597Lys (NM_001354898.2); c.4782C>G, p.Asn1594Lys (NM_001354899.2); c.4743C>G, p.Asn1581Lys (NM_001354900.2); c.4689C>G, p.Asn1563Lys (NM_001354901.2, NM_001407453.1); and 11 more; short protein forms N1238K, N1339K, N1462K, N1493K, N1496K, N1521K, N1531K, N1539K.
Identifiers: ClinVar variation 1719284 (VCV001719284.6), dbSNP rs1765789672, ClinGen allele CA16031992.
Genomic context (GRCh38, chr5:112,840,460, plus strand): 5'-TCCACCTGTGGCAAGGAAACCAAGTCAGCTGCCTGTGTACAAACTTCTACCATCACAAAA[C>G]AGGTTGCAACCCCAAAAGCATGTTAGTTTTACACCGGGGGATGATATGCCACGGGTGTAT-3'
Protein context (NP_000029.2, residues 1612-1632): LPVYKLLPSQ[Asn1622Lys]RLQPQKHVSF

ClinVar aggregate classification (germline): Uncertain significance (1 of 4 stars; one submission).

Conditions:
Familial adenomatous polyposis 1 (FAP1). Also called: FAMILIAL ADENOMATOUS POLYPOSIS 1, ATTENUATED; POLYPOSIS, ADENOMATOUS INTESTINAL. Identifiers: MedGen C2713442, MONDO:0021056, OMIM 175100. Disease mechanism: loss of function.

Submission:

Labcorp Genetics (formerly Invitae), Labcorp
Classification: Uncertain significance for Familial adenomatous polyposis 1. Last evaluated: 2022-09-12. Review status: criteria provided, single submitter. Criteria: Invitae Variant Classification Sherloc (09022015). Collection method: clinical testing. Allele origin: germline.
Comment: This sequence change replaces asparagine, which is neutral and polar, with lysine, which is basic and polar, at codon 1622 of the APC protein (p.Asn1622Lys). This variant is not present in population databases (gnomAD no frequency). This variant has not been reported in the literature in individuals affected with APC-related conditions. Advanced modeling of protein sequence and biophysical properties (such as structural, functional, and spatial information, amino acid conservation, physicochemical variation, residue mobility, and thermodynamic stability) performed at Invitae indicates that this missense variant is not expected to disrupt APC protein function. In summary, the available evidence is currently insufficient to determine the role of this variant in disease. Therefore, it has been classified as a Variant of Uncertain Significance.